The following is an entry in ClinVar:

NM_018136.5(ASPM):c.1095T>G (p.Ile365Met)

Gene: ASPM (assembly factor for spindle microtubules; minus strand). Cytogenetic location: 1q31.3.
Variant type: single nucleotide variant.
Coding change: c.1095T>G on transcript NM_018136.5 (MANE Select); coding-DNA position 1095, T replaced by G.
Protein change: p.Ile365Met; replaces isoleucine 365 with methionine.
Molecular consequence: missense variant.
Genome position (GRCh38, 1-based): chr1:197,143,157, A>C on the plus strand (T>G on the coding strand, the complement: ASPM is on the minus strand). VCF-style: chr1-197143157-A-C. GRCh37 (hg19) VCF-style: chr1-197112287-A-C.
Other names: c.1095T>G (NM_018136.4); c.1095T>G, p.Ile365Met (NM_001206846.2); short protein forms I365M.
Identifiers: ClinVar variation 2182227 (VCV002182227.4), dbSNP rs375572921, ClinGen allele CA1310765.

ClinVar aggregate classification (germline): Uncertain significance. Review status: criteria provided, multiple submitters, no conflicts (2 of 4 stars). 3 submissions from 3 submitters: Uncertain significance (3). Last evaluated 2023-12-11.

Conditions:
Microcephaly 5, primary, autosomal recessive (MCPH5). Also called: ASPM Primary Microcephaly. Identifiers: Orphanet 2512, MedGen C1837501, MONDO:0012106, OMIM 608716.
Inborn genetic diseases. Identifiers: MedGen C0950123, MeSH D030342.

Allele frequency attached by ClinVar (database versions not stated): gnomAD exomes 0.00001; ExAC 0.00005; TOPMed 0.00011; gnomAD 0.00013; ESP Exome Variant Server 0.00023.
gnomAD v4.1: 29 of 1,613,414 alleles (0.0018%); highest among the groups gnomAD compares: African/African-American, 0.032%; no homozygotes.

Submissions (3):

Labcorp Genetics (formerly Invitae), Labcorp
Classification: Uncertain significance. Last evaluated: 2023-12-11. Review status: criteria provided, single submitter. Criteria: Invitae Variant Classification Sherloc (09022015). Collection method: clinical testing. Allele origin: germline.
Comment: This sequence change replaces isoleucine, which is neutral and non-polar, with methionine, which is neutral and non-polar, at codon 365 of the ASPM protein (p.Ile365Met). This variant is present in population databases (rs375572921, gnomAD 0.05%). This variant has not been reported in the literature in individuals affected with ASPM-related conditions. ClinVar contains an entry for this variant (Variation ID: 2182227). Advanced modeling of protein sequence and biophysical properties (such as structural, functional, and spatial information, amino acid conservation, physicochemical variation, residue mobility, and thermodynamic stability) has been performed at Invitae for this missense variant, however the output from this modeling did not meet the statistical confidence thresholds required to predict the impact of this variant on ASPM protein function. In summary, the available evidence is currently insufficient to determine the role of this variant in disease. Therefore, it has been classified as a Variant of Uncertain Significance.

Genome-Nilou Lab
Classification: Uncertain significance for Microcephaly 5, primary, autosomal recessive. Last evaluated: 2023-04-11. Review status: criteria provided, single submitter. Criteria: ACMG Guidelines, 2015. Collection method: clinical testing. Allele origin: germline. Affected: no.

Ambry Genetics
Classification: Uncertain significance for Inborn genetic diseases. Last evaluated: 2021-09-17. Review status: criteria provided, single submitter. Criteria: Ambry Variant Classification Scheme 2023. Collection method: clinical testing. Allele origin: germline.